The following is an entry in ClinVar:

NM_000051.4(ATM):c.3024T>C (p.Ser1008=)

Gene: ATM (ATM serine/threonine kinase; plus strand). Cytogenetic location: 11q22.3.
Variant type: single nucleotide variant.
Coding change: c.3024T>C on transcript NM_000051.4 (MANE Select); coding-DNA position 3024, T replaced by C.
Protein change: p.Ser1008=; no amino-acid change (serine 1008 retained).
Molecular consequence: synonymous variant.
Genome position (GRCh38, 1-based): chr11:108,271,353, T>C. VCF-style: chr11-108271353-T-C. GRCh37 (hg19) VCF-style: chr11-108142080-T-C.
Other names: c.3024T>C, p.Ser1008= (NM_001351834.2).
Identifiers: ClinVar variation 628593 (VCV000628593.6), dbSNP rs1060504274, ClinGen allele CA476674396.
Genomic context (GRCh38, chr11:108,271,353, plus strand): 5'-AACTATTTTAAACCATGTCCTTCATGTAGTGAAAAACCTAGGTCAAAGCAATATGGACTC[T>C]GAGAACACAAGGGATGCTCAAGGACAGTTTCTTACAGTAATTGGAGCATTTTGGTAGGTA-3'
Protein context (NP_000042.3, residues 998-1018): VKNLGQSNMD[Ser1008=]ENTRDAQGQF

ClinVar aggregate classification (germline): Benign/Likely benign. Review status: criteria provided, multiple submitters, no conflicts (2 of 4 stars). 3 submissions from 3 submitters: Benign (1); Likely benign (2). Last evaluated 2024-05-13.

Conditions:
Familial cancer of breast. Also called: BREAST CANCER, FAMILIAL; Hereditary breast cancer; hereditary breast carcinoma. Identifiers: Orphanet 227535, MedGen C0346153, MONDO:0016419, OMIM 114480. Disease mechanism: loss of function.
Hereditary cancer-predisposing syndrome. Also called: Tumor predisposition; Neoplastic Syndromes, Hereditary; Hereditary Cancer Syndrome; Hereditary neoplastic syndrome. Identifiers: Orphanet 140162, MedGen C0027672, MeSH D009386, MONDO:0015356.
Ataxia-telangiectasia syndrome (AT). Also called: ATAXIA-TELANGIECTASIA, COMPLEMENTATION GROUP A; ATAXIA-TELANGIECTASIA, FRESNO VARIANT; LOUIS-BAR SYNDROME; Ataxia telangiectasia (A-T); Cerebello-oculocutaneous telangiectasia; Immunodeficiency with ataxia telangiectasia. Identifiers: Orphanet 100, MedGen C0004135, MONDO:0008840, OMIM 208900.

Submissions (3):

Myriad Genetics, Inc.
Classification: Benign for Familial cancer of breast. Last evaluated: 2024-05-13. Review status: criteria provided, single submitter. Criteria: Myriad Autosomal Dominant, Autosomal Recessive and X-Linked Classification Criteria (2023). Collection method: clinical testing. Allele origin: unknown.
Comment: This variant is considered benign. This variant is a silent/synonymous amino acid change and it is not expected to impact splicing.

Labcorp Genetics (formerly Invitae), Labcorp
Classification: Likely benign for Ataxia-telangiectasia syndrome. Last evaluated: 2023-11-27. Review status: criteria provided, single submitter. Criteria: Invitae Variant Classification Sherloc (09022015). Collection method: clinical testing. Allele origin: germline.

Color Diagnostics, LLC DBA Color Health
Classification: Likely benign for Hereditary cancer-predisposing syndrome. Last evaluated: 2016-07-27. Review status: criteria provided, single submitter. Criteria: ACMG Guidelines, 2015. Collection method: clinical testing. Allele origin: germline.